The following is an entry in ClinVar:

ClinVar aggregate classification (germline): Uncertain significance. Review status: criteria provided, multiple submitters, no conflicts (2 of 4 stars). 2 submissions from 2 submitters: Uncertain significance (2). Last evaluated 2023-05-13.

Conditions:
Inborn genetic diseases. Identifiers: MedGen C0950123, MeSH D030342.
Aortic valve disease 2 (AOVD2). Identifiers: MedGen C3542024, MONDO:0013902, OMIM 614823.

Allele frequency attached by ClinVar (database versions not stated): gnomAD 0.00001; gnomAD exomes 0.00001; TOPMed 0.00001.
gnomAD v4.1: 10 of 1,438,102 alleles (0.0007%); highest among the groups gnomAD compares: East Asian, 0.0032%; no homozygotes.

Submissions (2):

Labcorp Genetics (formerly Invitae), Labcorp
Classification: Uncertain significance for Aortic valve disease 2. Last evaluated: 2023-05-13. Review status: criteria provided, single submitter. Criteria: Invitae Variant Classification Sherloc (09022015). Collection method: clinical testing. Allele origin: germline.
Comment: In summary, the available evidence is currently insufficient to determine the role of this variant in disease. Therefore, it has been classified as a Variant of Uncertain Significance. Advanced modeling of protein sequence and biophysical properties (such as structural, functional, and spatial information, amino acid conservation, physicochemical variation, residue mobility, and thermodynamic stability) performed at Invitae indicates that this missense variant is not expected to disrupt SMAD6 protein function. ClinVar contains an entry for this variant (Variation ID: 2453911). This variant has not been reported in the literature in individuals affected with SMAD6-related conditions. This variant is present in population databases (no rsID available, gnomAD 0.007%). This sequence change replaces arginine, which is basic and polar, with tryptophan, which is neutral and slightly polar, at codon 182 of the SMAD6 protein (p.Arg182Trp).

Ambry Genetics
Classification: Uncertain significance for Inborn genetic diseases. Last evaluated: 2023-03-08. Review status: criteria provided, single submitter. Criteria: Ambry Variant Classification Scheme 2023. Collection method: clinical testing. Allele origin: germline.
Comment: The p.R182W variant (also known as c.544C>T), located in coding exon 1 of the SMAD6 gene, results from a C to T substitution at nucleotide position 544. The arginine at codon 182 is replaced by tryptophan, an amino acid with dissimilar properties. This amino acid position is conserved. In addition, the in silico prediction for this alteration is inconclusive. Since supporting evidence is limited at this time, the clinical significance of this alteration remains unclear.

NM_005585.5(SMAD6):c.544C>T (p.Arg182Trp)

Gene: SMAD6 (SMAD family member 6; plus strand). Cytogenetic location: 15q22.31.
Variant type: single nucleotide variant.
Coding change: c.544C>T on transcript NM_005585.5 (MANE Select); coding-DNA position 544, C replaced by T.
Protein change: p.Arg182Trp; replaces arginine 182 with tryptophan.
Molecular consequence: missense variant. On other transcripts: non-coding transcript variant (1).
Genome position (GRCh38, 1-based): chr15:66,703,802, C>T. VCF-style: chr15-66703802-C-T. GRCh37 (hg19) VCF-style: chr15-66996140-C-T.
Other names: short protein forms R182W.
Identifiers: ClinVar variation 2453911 (VCV002453911.5), dbSNP rs1484233065, ClinGen allele CA392949759.